The following is an entry in ClinVar:

ClinVar aggregate classification (germline): Uncertain significance (1 of 4 stars; one submission).

Allele frequency attached by ClinVar (database versions not stated): TOPMed 0.00002.

Submission:

Labcorp Genetics (formerly Invitae), Labcorp
Classification: Uncertain significance. Last evaluated: 2022-07-19. Review status: criteria provided, single submitter. Criteria: Invitae Variant Classification Sherloc (09022015). Collection method: clinical testing. Allele origin: germline.
Comment: This variant has not been reported in the literature in individuals affected with PROM1-related conditions. In summary, the available evidence is currently insufficient to determine the role of this variant in disease. Therefore, it has been classified as a Variant of Uncertain Significance. Algorithms developed to predict the effect of missense changes on protein structure and function are either unavailable or do not agree on the potential impact of this missense change (SIFT: "Deleterious"; PolyPhen-2: "Probably Damaging"; Align-GVGD: "Class C0"). ClinVar contains an entry for this variant (Variation ID: 1020152). This variant is present in population databases (rs200352674, gnomAD 0.007%). This sequence change replaces arginine, which is basic and polar, with leucine, which is neutral and non-polar, at codon 202 of the PROM1 protein (p.Arg202Leu).

NM_006017.3(PROM1):c.605G>T (p.Arg202Leu)

Gene: PROM1 (prominin 1; minus strand). Cytogenetic location: 4p15.32.
Variant type: single nucleotide variant.
Coding change: c.605G>T on transcript NM_006017.3 (MANE Select); coding-DNA position 605, G replaced by T.
Protein change: p.Arg202Leu; replaces arginine 202 with leucine.
Molecular consequence: missense variant.
Genome position (GRCh38, 1-based): chr4:16,025,217, C>A on the plus strand (G>T on the coding strand, the complement: PROM1 is on the minus strand). VCF-style: chr4-16025217-C-A. GRCh37 (hg19) VCF-style: chr4-16026840-C-A.
Other names: c.578G>T, p.Arg193Leu (NM_001145847.2, NM_001145848.2, NM_001145851.2 and 4 more transcripts); c.605G>T, p.Arg202Leu (NM_001145849.2, NM_001145850.2); short protein forms R193L, R202L.
Identifiers: ClinVar variation 1020152 (VCV001020152.8), dbSNP rs200352674, ClinGen allele CA2867035.
Genomic context (GRCh38, chr4:16,025,217, plus strand): 5'-AAAGCATCGCGGTACATAGAGATGATGGTTTTTACCTCTGGAGTTTCATTCAAGAGAGTT[C>A]GCAAGTCCTTGAAATTGCTATCTGCCAGTTTCCGACTCCTTTTGATCCGGGTTCTTACCT-3'
Protein context (NP_006008.1, residues 192-212): KLADSNFKDL[Arg202Leu]TLLNETPEQI